The following is an entry in ClinVar:

ClinVar aggregate classification (germline): Uncertain significance. Review status: criteria provided, multiple submitters, no conflicts (2 of 4 stars). 2 submissions from 2 submitters: Uncertain significance (2). Last evaluated 2024-03-07.

Conditions:
Cataracts, hearing impairment, nephrotic syndrome, and enterocolitis 1 (CHINE1). Identifiers: MedGen C5829571, MONDO:0958178, OMIM 301108.
Dyskeratosis congenita, X-linked (DKCX). Also called: Zinsser-Cole-Engman Syndrome. Identifiers: MedGen C1148551, MONDO:0010584, OMIM 305000.
Dyskeratosis congenita. Identifiers: Orphanet 1775, MedGen C0265965, MONDO:0015780.

Allele frequency attached by ClinVar (database versions not stated): gnomAD 0.00001; TOPMed 0.00001.
gnomAD v4.1: 1 of 1,204,893 alleles (0.000083%); highest among the groups gnomAD compares: Non-Finnish European, 0.00011%; no homozygotes.

Submissions (2):

Fulgent Genetics
Classification: Uncertain significance for Cataracts, hearing impairment, nephrotic syndrome, and enterocolitis 1; Dyskeratosis congenita, X-linked. Last evaluated: 2024-03-07. Review status: criteria provided, single submitter. Criteria: ACMG Guidelines, 2015. Collection method: clinical testing. Allele origin: germline.

Labcorp Genetics (formerly Invitae), Labcorp
Classification: Uncertain significance for Dyskeratosis congenita. Last evaluated: 2024-02-19. Review status: criteria provided, single submitter. Criteria: Invitae Variant Classification Sherloc (09022015). Collection method: clinical testing. Allele origin: germline.
Comment: This sequence change replaces lysine, which is basic and polar, with asparagine, which is neutral and polar, at codon 505 of the DKC1 protein (p.Lys505Asn). This variant is not present in population databases (gnomAD no frequency). This variant has not been reported in the literature in individuals affected with DKC1-related conditions. ClinVar contains an entry for this variant (Variation ID: 459583). An algorithm developed to predict the effect of missense changes on protein structure and function (PolyPhen-2) suggests that this variant is likely to be tolerated. In summary, the available evidence is currently insufficient to determine the role of this variant in disease. Therefore, it has been classified as a Variant of Uncertain Significance.

NM_001363.5(DKC1):c.1515A>C (p.Lys505Asn)

Gene: DKC1 (dyskerin pseudouridine synthase 1; plus strand). Cytogenetic location: Xq28.
Variant type: single nucleotide variant.
Coding change: c.1515A>C on transcript NM_001363.5 (MANE Select); coding-DNA position 1515, A replaced by C.
Protein change: p.Lys505Asn; replaces lysine 505 with asparagine.
Molecular consequence: missense variant. On other transcripts: 3 prime UTR variant (1), non-coding transcript variant (3).
Genome position (GRCh38, 1-based): chrX:154,776,837, A>C. VCF-style: chrX-154776837-A-C. GRCh37 (hg19) VCF-style: chrX-154005112-A-C.
Other names: c.1500A>C, p.Lys500Asn (NM_001142463.3); c.*741A>C (NM_001288747.2); short protein forms K505N, K500N.
Identifiers: ClinVar variation 459583 (VCV000459583.11), dbSNP rs1370393255, ClinGen allele CA414900949.